The following is an entry in ClinVar:

ClinVar aggregate classification (germline): Uncertain significance. Review status: criteria provided, multiple submitters, no conflicts (2 of 4 stars). 2 submissions from 2 submitters: Uncertain significance (2). Last evaluated 2025-06-29.

Conditions:
Dilated cardiomyopathy 1W (CMD1W). Identifiers: Orphanet 154, MedGen C1969639, MONDO:0012667, OMIM 611407.

Allele frequency attached by ClinVar (database versions not stated): gnomAD 0.00001; TOPMed 0.00001; ExAC 0.00002; ESP Exome Variant Server 0.00008.
gnomAD v4.1: 8 of 1,613,976 alleles (0.0005%); highest among the groups gnomAD compares: Non-Finnish European, 0.00068%; no homozygotes.

Submissions (2):

Labcorp Genetics (formerly Invitae), Labcorp
Classification: Uncertain significance for Dilated cardiomyopathy 1W. Last evaluated: 2025-06-29. Review status: criteria provided, single submitter. Criteria: Invitae Variant Classification Sherloc (09022015). Collection method: clinical testing. Allele origin: germline.
Comment: This sequence change replaces valine, which is neutral and non-polar, with phenylalanine, which is neutral and non-polar, at codon 158 of the VCL protein (p.Val158Phe). This variant is present in population databases (rs371583362, gnomAD 0.003%). This variant has not been reported in the literature in individuals affected with VCL-related conditions. ClinVar contains an entry for this variant (Variation ID: 2188940). An algorithm developed to predict the effect of missense changes on protein structure and function (PolyPhen-2) suggests that this variant is likely to be disruptive. In summary, the available evidence is currently insufficient to determine the role of this variant in disease. Therefore, it has been classified as a Variant of Uncertain Significance.

GeneDx
Classification: Uncertain significance. Last evaluated: 2023-02-09. Review status: criteria provided, single submitter. Criteria: GeneDx Variant Classification Process June 2021. Collection method: clinical testing. Allele origin: germline. Affected: yes.
Comment: Not observed at significant frequency in large population cohorts (gnomAD); In silico analysis supports that this missense variant has a deleterious effect on protein structure/function; Has not been previously published as pathogenic or benign to our knowledge

NM_014000.3(VCL):c.472G>T (p.Val158Phe)

Gene: VCL (vinculin; plus strand). Cytogenetic location: 10q22.2.
Variant type: single nucleotide variant.
Coding change: c.472G>T on transcript NM_014000.3 (MANE Select); coding-DNA position 472, G replaced by T.
Protein change: p.Val158Phe; replaces valine 158 with phenylalanine.
Molecular consequence: missense variant.
Genome position (GRCh38, 1-based): chr10:74,071,056, G>T. VCF-style: chr10-74071056-G-T. GRCh37 (hg19) VCF-style: chr10-75830814-G-T.
Other names: c.472G>T, p.Val158Phe (NM_003373.4); short protein forms V158F.
Identifiers: ClinVar variation 2188940 (VCV002188940.5), dbSNP rs371583362, ClinGen allele CA5562771.